The following is an entry in ClinVar:

ClinVar aggregate classification (germline): Benign. Review status: criteria provided, multiple submitters, no conflicts (2 of 4 stars). 2 submissions from 2 submitters: Benign (2). Last evaluated 2018-06-19.

Allele frequency attached by ClinVar (database versions not stated): gnomAD exomes 0.00321; gnomAD 0.03608 and 0.03875; 1000 Genomes Project 0.03914; TOPMed 0.04080; 1000 Genomes Project 30x 0.04091.
gnomAD v4.1: 10,006 of 1,484,644 alleles (0.67%); highest among the groups gnomAD compares: African/African-American, 12%; 545 homozygotes.

Submissions (2):

GeneDx
Classification: Benign. Last evaluated: 2018-06-19. Review status: criteria provided, single submitter. Criteria: GeneDx Variant Classification (06012015). Collection method: clinical testing. Allele origin: germline. Affected: yes.
Comment: This variant is considered likely benign or benign based on one or more of the following criteria: it is a conservative change, it occurs at a poorly conserved position in the protein, it is predicted to be benign by multiple in silico algorithms, and/or has population frequency not consistent with disease.

Breakthrough Genomics
Classification: Benign. Review status: criteria provided, single submitter. Criteria: ACMG Guidelines, 2015. Collection method: not provided. Allele origin: germline. Inheritance: Autosomal recessive inheritance. Affected: yes.

NM_001195518.2(MICU1):c.537+9823T>A

Gene: MICU1 (mitochondrial calcium uptake 1; minus strand). Cytogenetic location: 10q22.1.
Variant type: single nucleotide variant.
Coding change: c.537+9823T>A on transcript NM_001195518.2 (MANE Select); 9823 bases into the intron after coding-DNA position 537, T replaced by A.
Molecular consequence: intron variant. On other transcripts: 5 prime UTR variant (1).
Genome position (GRCh38, 1-based): chr10:72,523,923, A>T on the plus strand (T>A on the coding strand, the complement: MICU1 is on the minus strand). VCF-style: chr10-72523923-A-T. GRCh37 (hg19) VCF-style: chr10-74283681-A-T.
Other names: c.-64T>A (NM_001195519.2); c.537+9823T>A (NM_006077.4); c.549+812T>A (NM_001363513.2).
Identifiers: ClinVar variation 676220 (VCV000676220.2), dbSNP rs113370598, ClinGen allele CA209801508.